The following is an entry in ClinVar:

ClinVar aggregate classification (germline): Pathogenic. Review status: criteria provided, multiple submitters, no conflicts (2 of 4 stars). 10 submissions from 10 submitters: Pathogenic (10). Last evaluated 2025-06-27.

Conditions:
SLC12A3-related disorder. Also called: SLC12A3-related condition.
Familial hypokalemia-hypomagnesemia (GTLMNS). Also called: HYPOMAGNESEMIA-HYPOKALEMIA, PRIMARY RENOTUBULAR, WITH HYPOCALCIURIA; POTASSIUM AND MAGNESIUM DEPLETION; gitelman syndrome. Identifiers: Orphanet 358, MedGen C0268450, MONDO:0009904, OMIM 263800.

Allele frequency attached by ClinVar (database versions not stated): TOPMed 0.00006; gnomAD exomes 0.00001 and below 0.00001; gnomAD 0.00003 and 0.00004.
gnomAD v4.1: 18 of 1,613,742 alleles (0.0011%); highest among the groups gnomAD compares: Middle Eastern, 0.016%; no homozygotes.

Submissions (10):

Natera, Inc.
Classification: Pathogenic for Gitelman syndrome. Last evaluated: 2025-06-27. Review status: criteria provided, single submitter. Criteria: Natera Variant Classification Schema (03/2026). Collection method: clinical testing. Allele origin: germline.
Comment: The c.473G>A variant in SLC12A3 is a missense variant predicted to cause substitution of arginine to glutamine at amino acid 158. This variant is rare in the general population with a frequency below the threshold expected for the associated phenotype(s). This variant has been observed in one or more individuals affected with the associated recessive disease, as either homozygous or compound heterozygous with a second variant (PMID: 32939031, 30413979, 12112667, 21415153). Given the available evidence, this variant is classified as Pathogenic.

GeneDx
Classification: Pathogenic. Last evaluated: 2024-06-27. Review status: criteria provided, single submitter. Criteria: GeneDx Variant Classification Process June 2021. Collection method: clinical testing. Allele origin: germline. Affected: yes.
Comment: Published functional studies demonstrate a damaging effect on SLC12A3 expression, localization and ion transport (PMID: 36370249); In silico analysis supports that this missense variant has a deleterious effect on protein structure/function; In silico analysis suggests this variant may impact gene splicing. In the absence of RNA/functional studies, the actual effect of this sequence change is unknown.; This variant is associated with the following publications: (PMID: 12112667, 35628451, 25852896, 30413979, 32939031, 31577716, 21415153, 32926342, 36370249, 36964972)

Labcorp Genetics (formerly Invitae), Labcorp
Classification: Pathogenic. Last evaluated: 2024-03-20. Review status: criteria provided, single submitter. Criteria: Invitae Variant Classification Sherloc (09022015). Collection method: clinical testing. Allele origin: germline.
Comment: This sequence change replaces arginine, which is basic and polar, with glutamine, which is neutral and polar, at codon 158 of the SLC12A3 protein (p.Arg158Gln). The frequency data for this variant in the population databases is considered unreliable, as metrics indicate poor data quality at this position in the gnomAD database. This missense change has been observed in individuals with Gitelman syndrome (PMID: 12112667, 21415153, 25852896, 30413979). It has also been observed to segregate with disease in related individuals. ClinVar contains an entry for this variant (Variation ID: 647629). Advanced modeling of protein sequence and biophysical properties (such as structural, functional, and spatial information, amino acid conservation, physicochemical variation, residue mobility, and thermodynamic stability) performed at Invitae indicates that this missense variant is expected to disrupt SLC12A3 protein function with a positive predictive value of 95%. For these reasons, this variant has been classified as Pathogenic.

Blueprint Genetics
Classification: Pathogenic for SLC12A3-related disorders. Last evaluated: 2023-09-28. Review status: criteria provided, single submitter. Criteria: ACMG Guidelines, 2015. Collection method: clinical testing. Allele origin: germline. Affected: yes. Observed: 3 variant alleles.

Revvity Omics, Revvity
Classification: Pathogenic for Familial hypokalemia-hypomagnesemia. Last evaluated: 2023-07-24. Review status: criteria provided, single submitter. Criteria: ACMG Guidelines, 2015. Collection method: clinical testing. Allele origin: germline.

Department of Pathology and Laboratory Medicine, Sinai Health System
Classification: Pathogenic for Familial hypokalemia-hypomagnesemia. Last evaluated: 2023-07-11. Review status: criteria provided, single submitter. Criteria: ACMG Guidelines, 2015. Collection method: research. Allele origin: germline.

European Hospital Georges Pompidou Genetics Department, Assistance Publique - Hôpitaux de Paris AP-HP
Classification: Pathogenic for Familial hypokalemia-hypomagnesemia. Last evaluated: 2022-04-27. Review status: criteria provided, single submitter. Criteria: ACMG Guidelines, 2015. Collection method: clinical testing. Allele origin: germline. Affected: yes.
Comment: ACMG criteria used:PS4, PM2, PM3, PM5, PP3, PP5

Fulgent Genetics
Classification: Pathogenic for Familial hypokalemia-hypomagnesemia. Last evaluated: 2021-10-11. Review status: criteria provided, single submitter. Criteria: ACMG Guidelines, 2015. Collection method: clinical testing. Allele origin: unknown.

Genome-Nilou Lab
Classification: Pathogenic for Familial hypokalemia-hypomagnesemia. Last evaluated: 2021-07-15. Review status: criteria provided, single submitter. Criteria: ACMG Guidelines, 2015. Collection method: clinical testing. Allele origin: germline. Affected: no.

Victorian Clinical Genetics Services, Murdoch Childrens Research Institute
Classification: Pathogenic for Familial hypokalemia-hypomagnesemia. Last evaluated: 2019-03-17. Review status: criteria provided, single submitter. Criteria: ACMG Guidelines, 2015. Collection method: clinical testing. Allele origin: unknown. Affected: yes.
Comment: A homozygous missense variant, NM_000339.2(SLC12A3):c.473G>A, has been identified in exon 3 of 26 of the SLC12A3 gene. The variant is predicted to result in a minor amino acid change from arginine to glutamine at position 158 of the protein ( NP_000330.2(SLC12A3):p.(Arg158Gln)). The arginine residue at this position has high conservation (100 vertebrates, UCSC), and is located within the SLC12 superfamily functional domain. In silico predictions for this variant are consistently pathogenic (Polyphen, SIFT, CADD, Mutation Taster). The variant is present in the gnomAD database at a frequency of 0.001% (4 heterozygotes, 0 homozygotes). The variant has been previously described as pathogenic in patients with Gitelman syndrome (Syren, M. et al. (2002), Larkins, N. et al. (2014), Zhong, F. et al. (2018)). It has also been shown to segregate with the disease in 2 families (Larkins, N. et al. (2014), Zhong, F. et al. (2018)). A different variant in the same codon resulting in a change to leucine as also been shown to cause Gitelman syndrome (Glaudemans, B. et al. (2012)). Based on the information available at the time of curation, this variant has been classified as PATHOGENIC.

Literature cited by the submitters: PubMed 32939031 (cited by Natera, Inc.); PubMed 30413979 (cited by Natera, Inc. and Labcorp Genetics (formerly Invitae), Labcorp); PubMed 12112667 (cited by Natera, Inc. and Labcorp Genetics (formerly Invitae), Labcorp); PubMed 21415153 (cited by Natera, Inc. and Labcorp Genetics (formerly Invitae), Labcorp); PubMed 25852896 (cited by Labcorp Genetics (formerly Invitae), Labcorp).

NM_001126108.2(SLC12A3):c.473G>A (p.Arg158Gln)

Gene: SLC12A3 (solute carrier family 12 member 3; plus strand). Cytogenetic location: 16q13.
Variant type: single nucleotide variant.
Coding change: c.473G>A on transcript NM_001126108.2 (MANE Select); coding-DNA position 473, G replaced by A.
Protein change: p.Arg158Gln; replaces arginine 158 with glutamine.
Molecular consequence: missense variant.
Genome position (GRCh38, 1-based): chr16:56,868,340, G>A. VCF-style: chr16-56868340-G-A. GRCh37 (hg19) VCF-style: chr16-56902252-G-A.
Other names: c.473G>A, p.Arg158Gln (NM_000339.3); c.470G>A, p.Arg157Gln (NM_001126107.2); short protein forms R157Q, R158Q.
Identifiers: ClinVar variation 647629 (VCV000647629.24), dbSNP rs1274973729, ClinGen allele CA395979550.